The following is an entry in ClinVar:

NM_000291.4(PGK1):c.392A>G (p.Lys131Arg)

Gene: PGK1 (phosphoglycerate kinase 1; plus strand). Cytogenetic location: Xq21.1.
Variant type: single nucleotide variant.
Coding change: c.392A>G on transcript NM_000291.4 (MANE Select); coding-DNA position 392, A replaced by G.
Protein change: p.Lys131Arg; replaces lysine 131 with arginine.
Molecular consequence: missense variant.
Genome position (GRCh38, 1-based): chrX:78,114,135, A>G. VCF-style: chrX-78114135-A-G. GRCh37 (hg19) VCF-style: chrX-77369632-A-G.
Other names: short protein forms K131R.
Identifiers: ClinVar variation 2571373 (VCV002571373.32), dbSNP rs2078314832, ClinGen allele CA413719986.

ClinVar aggregate classification (germline): Uncertain significance. Review status: criteria provided, multiple submitters, no conflicts (2 of 4 stars). 4 submissions from 4 submitters: Uncertain significance (4). Last evaluated 2025-04-01.

Conditions:
Glycogen storage disease due to phosphoglycerate kinase 1 deficiency. Also called: PGK1 DEFICIENCY; PHOSPHOGLYCERATE KINASE 1 DEFICIENCY WITH LEVO-DOPA-RESPONSIVE PARKINSONISM. Identifiers: Orphanet 713, MedGen C1970848, MONDO:0010392, OMIM 300653.

Allele frequency attached by ClinVar (database versions not stated): gnomAD exomes below 0.00001.
gnomAD v4.1: 2 of 1,211,164 alleles (0.00017%); highest among the groups gnomAD compares: Non-Finnish European, 0.00022%; no homozygotes.

Submissions (4):

CeGaT Center for Human Genetics Tuebingen
Classification: Uncertain significance. Last evaluated: 2025-04-01. Review status: criteria provided, single submitter. Criteria: CeGaT Center For Human Genetics Tuebingen Variant Classification Criteria Version 2. Collection method: clinical testing. Allele origin: germline. Affected: yes. Observed: 2 variant alleles.
Comment: PGK1: PM2

Labcorp Genetics (formerly Invitae), Labcorp
Classification: Uncertain significance. Last evaluated: 2024-12-02. Review status: criteria provided, single submitter. Criteria: Invitae Variant Classification Sherloc (09022015). Collection method: clinical testing. Allele origin: germline.
Comment: This sequence change replaces lysine, which is basic and polar, with arginine, which is basic and polar, at codon 131 of the PGK1 protein (p.Lys131Arg). This variant is not present in population databases (gnomAD no frequency). This variant has not been reported in the literature in individuals affected with PGK1-related conditions. ClinVar contains an entry for this variant (Variation ID: 2571373). Invitae Evidence Modeling of protein sequence and biophysical properties (such as structural, functional, and spatial information, amino acid conservation, physicochemical variation, residue mobility, and thermodynamic stability) has been performed for this missense variant. However, the output from this modeling did not meet the statistical confidence thresholds required to predict the impact of this variant on PGK1 protein function. In summary, the available evidence is currently insufficient to determine the role of this variant in disease. Therefore, it has been classified as a Variant of Uncertain Significance.

Revvity Omics, Revvity
Classification: Uncertain significance for Glycogen storage disease due to phosphoglycerate kinase 1 deficiency. Last evaluated: 2024-09-24. Review status: criteria provided, single submitter. Criteria: ACMG Guidelines, 2015. Collection method: clinical testing. Allele origin: germline.

Blueprint Genetics
Classification: Uncertain significance. Last evaluated: 2023-12-01. Review status: criteria provided, single submitter. Criteria: ACMG Guidelines, 2015. Collection method: clinical testing. Allele origin: germline.